The following is an entry in ClinVar:

ClinVar aggregate classification (germline): Uncertain significance. Review status: criteria provided, multiple submitters, no conflicts (2 of 4 stars). 2 submissions from 2 submitters: Uncertain significance (2). Last evaluated 2024-07-22.

Conditions:
Spondylocostal dysostosis 5 (SCDO5). Also called: SCOLIOSIS, CONGENITAL, WITH OR WITHOUT RIB ANOMALIES. Identifiers: MedGen C4083048, MONDO:0007389, OMIM 122600.

Allele frequency attached by ClinVar (database versions not stated): gnomAD 0.00001; TOPMed 0.00003.

Submissions (2):

GeneDx
Classification: Uncertain significance. Last evaluated: 2024-07-22. Review status: criteria provided, single submitter. Criteria: GeneDx Variant Classification Process June 2021. Collection method: clinical testing. Allele origin: germline. Affected: yes.
Comment: Identified in an individual with congenital scoliosis, however the variant was inherited from an unaffected parent (PMID: 28054739); Luciferase assays showed no difference in transcriptional activity between cells with the R150C variant and wildtype (PMID: 28054739); In silico analysis supports that this missense variant has a deleterious effect on protein structure/function; This variant is associated with the following publications: (PMID: 28054739)

Neuberg Centre For Genomic Medicine, NCGM
Classification: Uncertain significance for Spondylocostal dysostosis 5. Review status: criteria provided, single submitter. Criteria: ACMG Guidelines, 2015. Collection method: clinical testing. Allele origin: germline. Inheritance: Autosomal recessive inheritance. Affected: yes.
Comment: The missense variant c.448C>T (p.Arg150Cys) in the TBX6 gene has not been reported previously as a pathogenic variant nor as a benign variant, to our knowledge. This variant is reported with the allele frequency (0.0007%) in the gnomAD Exomes. The amino acid Arginine at position 150 is changed to a Cysteine changing protein sequence and it might alter its composition and physico-chemical properties. The variant is predicted as damaging by SIFT. The amino acid change p.Arg150Cys in TBX6 is predicted as conserved by GERP++ and PhyloP across 100 vertebrates. For these reasons, this variant has been classified as Uncertain Significance

NM_004608.4(TBX6):c.448C>T (p.Arg150Cys)

Gene: TBX6 (T-box transcription factor 6; minus strand). Cytogenetic location: 16p11.2.
Variant type: single nucleotide variant.
Coding change: c.448C>T on transcript NM_004608.4 (MANE Select); coding-DNA position 448, C replaced by T.
Protein change: p.Arg150Cys; replaces arginine 150 with cysteine.
Molecular consequence: missense variant.
Genome position (GRCh38, 1-based): chr16:30,089,116, G>A on the plus strand (C>T on the coding strand, the complement: TBX6 is on the minus strand). VCF-style: chr16-30089116-G-A. GRCh37 (hg19) VCF-style: chr16-30100437-G-A.
Other names: short protein forms R150C.
Identifiers: ClinVar variation 3242085 (VCV003242085.2), dbSNP rs949681104.